The following is an entry in ClinVar:

ClinVar aggregate classification (germline): Uncertain significance (1 of 4 stars; one submission).

Conditions:
BAP1-related tumor predisposition syndrome (TPDS1). Also called: Tumor susceptibility linked to germline BAP1 mutations; COMMON Syndrome; TUMOR PREDISPOSITION SYNDROME 1; BAP1 tumor predisposition syndrome. Identifiers: Orphanet 289539, MedGen C3280492, MONDO:0013692, OMIM 614327.

gnomAD v4.1: 1 of 1,611,258 alleles (0.000062%); highest among the groups gnomAD compares: Non-Finnish European, 0.000085%; no homozygotes.

Submission:

Labcorp Genetics (formerly Invitae), Labcorp
Classification: Uncertain significance for BAP1-related tumor predisposition syndrome. Last evaluated: 2024-06-26. Review status: criteria provided, single submitter. Criteria: Invitae Variant Classification Sherloc (09022015). Collection method: clinical testing. Allele origin: germline.
Comment: This sequence change replaces serine, which is neutral and polar, with cysteine, which is neutral and slightly polar, at codon 58 of the BAP1 protein (p.Ser58Cys). This variant is not present in population databases (gnomAD no frequency). This variant has not been reported in the literature in individuals affected with BAP1-related conditions. Advanced modeling of protein sequence and biophysical properties (such as structural, functional, and spatial information, amino acid conservation, physicochemical variation, residue mobility, and thermodynamic stability) has been performed at Invitae for this missense variant, however the output from this modeling did not meet the statistical confidence thresholds required to predict the impact of this variant on BAP1 protein function. In summary, the available evidence is currently insufficient to determine the role of this variant in disease. Therefore, it has been classified as a Variant of Uncertain Significance.

NM_004656.4(BAP1):c.173C>G (p.Ser58Cys)

Gene: BAP1 (BRCA1 associated deubiquitinase 1; minus strand). Cytogenetic location: 3p21.1.
Variant type: single nucleotide variant.
Coding change: c.173C>G on transcript NM_004656.4 (MANE Select); coding-DNA position 173, C replaced by G.
Protein change: p.Ser58Cys; replaces serine 58 with cysteine.
Molecular consequence: missense variant.
Genome position (GRCh38, 1-based): chr3:52,408,556, G>C on the plus strand (C>G on the coding strand, the complement: BAP1 is on the minus strand). VCF-style: chr3-52408556-G-C. GRCh37 (hg19) VCF-style: chr3-52442572-G-C.
Other names: c.173C>G, p.Ser58Cys (NM_001410772.1); short protein forms S58C.
Identifiers: ClinVar variation 3703810 (VCV003703810.2).
Genomic context (GRCh38, chr3:52,408,556, plus strand): 5'-TTCACAATATCATCATCAATCACGGACGTATCATCCACCAAGGTAGAGACCTTTCGCCGG[G>C]ACCGGCGCTCTTCGATCCATTTGAACAGGAAGATAAATCCATATACAGGGCTGGGGGAAG-3'
Protein context (NP_004647.1, residues 48-68): FLFKWIEERR[Ser58Cys]RRKVSTLVDD